The following is an entry in ClinVar:

NM_003673.4(TCAP):c.395A>T (p.Glu132Val)

Gene: TCAP (titin-cap; plus strand). Cytogenetic location: 17q12.
Variant type: single nucleotide variant.
Coding change: c.395A>T on transcript NM_003673.4 (MANE Select); coding-DNA position 395, A replaced by T.
Protein change: p.Glu132Val; replaces glutamic acid 132 with valine.
Molecular consequence: missense variant.
Genome position (GRCh38, 1-based): chr17:39,666,000, A>T. VCF-style: chr17-39666000-A-T. GRCh37 (hg19) VCF-style: chr17-37822253-A-T.
Other names: short protein forms E132V.
Identifiers: ClinVar variation 3966362 (VCV003966362.2).

ClinVar aggregate classification (germline): Uncertain significance. Review status: criteria provided, multiple submitters, no conflicts (2 of 4 stars). 2 submissions from 2 submitters: Uncertain significance (2). Last evaluated 2025-04-01.

Conditions:
Hypertrophic cardiomyopathy 25 (CMH25). Also called: CARDIOMYOPATHY, FAMILIAL HYPERTROPHIC, 25. Identifiers: MedGen C4225408, MONDO:0011843, OMIM 607487.
Primary familial hypertrophic cardiomyopathy (HCM). Identifiers: Orphanet 99739, MedGen C0949658, MeSH D024741, MONDO:0024573. Inheritance: Various modes of inheritance.
Cardiovascular phenotype. Identifiers: MedGen CN230736.

gnomAD v4.1: 2 of 1,612,398 alleles (0.00012%); highest among the groups gnomAD compares: Admixed American, 0.0017%; no homozygotes.

Submissions (2):

Ambry Genetics
Classification: Uncertain significance for Cardiovascular phenotype. Last evaluated: 2025-04-01. Review status: criteria provided, single submitter. Criteria: Ambry Variant Classification Scheme 2023. Collection method: clinical testing. Allele origin: germline.

Labcorp Genetics (formerly Invitae), Labcorp
Classification: Uncertain significance for Hypertrophic cardiomyopathy 25; Primary familial hypertrophic cardiomyopathy. Last evaluated: 2025-02-04. Review status: criteria provided, single submitter. Criteria: Invitae Variant Classification Sherloc (09022015). Collection method: clinical testing. Allele origin: germline.
Comment: This sequence change replaces glutamic acid, which is acidic and polar, with valine, which is neutral and non-polar, at codon 132 of the TCAP protein (p.Glu132Val). This variant is present in population databases (no rsID available, gnomAD 0.003%). This variant has not been reported in the literature in individuals affected with TCAP-related conditions. An algorithm developed to predict the effect of missense changes on protein structure and function (PolyPhen-2) suggests that this variant is likely to be tolerated. In summary, the available evidence is currently insufficient to determine the role of this variant in disease. Therefore, it has been classified as a Variant of Uncertain Significance.